The following is an entry in ClinVar:

ClinVar aggregate classification (germline): Uncertain significance. Review status: criteria provided, multiple submitters, no conflicts (2 of 4 stars). 2 submissions from 2 submitters: Uncertain significance (2). Last evaluated 2025-10-23.

gnomAD v4.1: 14 of 1,614,084 alleles (0.00087%); highest among the groups gnomAD compares: Non-Finnish European, 0.0012%; no homozygotes.

Submissions (2):

Ambry Genetics
Classification: Uncertain significance. Last evaluated: 2025-10-23. Review status: criteria provided, single submitter. Criteria: Ambry Variant Classification Scheme 2023. Collection method: clinical testing. Allele origin: germline.

Labcorp Genetics (formerly Invitae), Labcorp
Classification: Uncertain significance. Last evaluated: 2025-03-05. Review status: criteria provided, single submitter. Criteria: Invitae Variant Classification Sherloc (09022015). Collection method: clinical testing. Allele origin: germline.
Comment: This sequence change replaces serine, which is neutral and polar, with arginine, which is basic and polar, at codon 452 of the SEMA4A protein (p.Ser452Arg). This variant is present in population databases (no rsID available, gnomAD 0.003%). This variant has not been reported in the literature in individuals affected with SEMA4A-related conditions. Invitae Evidence Modeling of protein sequence and biophysical properties (such as structural, functional, and spatial information, amino acid conservation, physicochemical variation, residue mobility, and thermodynamic stability) indicates that this missense variant is not expected to disrupt SEMA4A protein function with a negative predictive value of 80%. In summary, the available evidence is currently insufficient to determine the role of this variant in disease. Therefore, it has been classified as a Variant of Uncertain Significance.

NM_022367.4(SEMA4A):c.1356C>G (p.Ser452Arg)

Gene: SEMA4A (semaphorin 4A; plus strand). Cytogenetic location: 1q22.
Variant type: single nucleotide variant.
Coding change: c.1356C>G on transcript NM_022367.4 (MANE Select); coding-DNA position 1356, C replaced by G.
Protein change: p.Ser452Arg; replaces serine 452 with arginine.
Molecular consequence: missense variant.
Genome position (GRCh38, 1-based): chr1:156,174,862, C>G. VCF-style: chr1-156174862-C-G. GRCh37 (hg19) VCF-style: chr1-156144653-C-G.
Other names: c.1356C>G, p.Ser452Arg (NM_001193300.2, NM_001193301.2, NM_001370567.1); c.960C>G, p.Ser320Arg (NM_001193302.2); c.1059C>G, p.Ser353Arg (NM_001370568.1); c.849C>G, p.Ser283Arg (NM_001370569.1, NM_001370571.1); short protein forms S283R, S353R, S320R, S452R.
Identifiers: ClinVar variation 4582178 (VCV004582178.2).